The following is an entry in ClinVar:

NM_019023.5(PRMT7):c.1173C>G (p.Tyr391Ter)

Gene: PRMT7 (protein arginine methyltransferase 7; plus strand). Cytogenetic location: 16q22.1.
Variant type: single nucleotide variant.
Coding change: c.1173C>G on transcript NM_019023.5 (MANE Select); coding-DNA position 1173, C replaced by G.
Protein change: p.Tyr391Ter; replaces tyrosine 391 with a stop codon.
Molecular consequence: nonsense. On other transcripts: non-coding transcript variant (12).
Genome position (GRCh38, 1-based): chr16:68,346,262, C>G. VCF-style: chr16-68346262-C-G. GRCh37 (hg19) VCF-style: chr16-68380165-C-G.
Other names: c.1023C>G, p.Tyr341Ter (NM_001184824.4); c.1173C>G, p.Tyr391Ter (NM_001290018.2, NM_001351143.3, NM_001351144.3 and 1 more transcripts); c.966C>G, p.Tyr322Ter (NM_001378020.1); c.936C>G, p.Tyr312Ter (NM_001378021.1, NM_001378022.1, NM_001378023.1); short protein forms Y312*, Y322*, Y341*, Y391*.
Identifiers: ClinVar variation 3236051 (VCV003236051.1), dbSNP rs2545046414, ClinGen allele CA396436673.

ClinVar aggregate classification (germline): Pathogenic (1 of 4 stars; one submission).

Conditions:
Short stature-brachydactyly-obesity-global developmental delay syndrome. Also called: SHORT STATURE, BRACHYDACTYLY, IMPAIRED INTELLECTUAL DEVELOPMENT, AND SEIZURES; Short stature, brachydactyly, intellectual developmental disability, and seizures. Identifiers: Orphanet 464288, MedGen C4310689, MONDO:0014944, OMIM 617157.

gnomAD v4.1: 2 of 1,614,226 alleles (0.00012%); highest among the groups gnomAD compares: Non-Finnish European, 0.00017%; no homozygotes.

Submission:

MVZ Medizinische Genetik Mainz
Classification: Pathogenic for Short stature-brachydactyly-obesity-global developmental delay syndrome. Last evaluated: 2021-09-15. Review status: criteria provided, single submitter. Criteria: UK Practice Guidelines For Variant Classification V4 01 2020. Collection method: clinical testing. Allele origin: germline. Inheritance: Autosomal recessive inheritance. Affected: yes. Observed: 1 variant allele.
Comment: ACMG Criteria: PVS1, PM2_SUP, PM3_SUP (ACMG Version 3); Compound Heterozygote